The following is an entry in ClinVar:

ClinVar aggregate classification (germline): Uncertain significance (1 of 4 stars; one submission).

Conditions:
Hereditary cancer-predisposing syndrome. Also called: Neoplastic Syndromes, Hereditary; Hereditary Cancer Syndrome; Tumor predisposition; Hereditary neoplastic syndrome. Identifiers: Orphanet 140162, MedGen C0027672, MeSH D009386, MONDO:0015356.

Submission:

Ambry Genetics
Classification: Uncertain significance for Hereditary cancer-predisposing syndrome. Last evaluated: 2025-03-08. Review status: criteria provided, single submitter. Criteria: Ambry Variant Classification Scheme 2023. Collection method: clinical testing. Allele origin: germline.
Comment: The p.D2128V variant (also known as c.6383A>T), located in coding exon 46 of the POLE gene, results from an A to T substitution at nucleotide position 6383. The aspartic acid at codon 2128 is replaced by valine, an amino acid with highly dissimilar properties. This amino acid position is conserved. In addition, this alteration is predicted to be deleterious by in silico analysis. Based on the available evidence, the clinical significance of this variant remains unclear.

NM_006231.4(POLE):c.6383A>T (p.Asp2128Val)

Gene: POLE (DNA polymerase epsilon, catalytic subunit; minus strand). Cytogenetic location: 12q24.33.
Variant type: single nucleotide variant.
Coding change: c.6383A>T on transcript NM_006231.4 (MANE Select); coding-DNA position 6383, A replaced by T.
Protein change: p.Asp2128Val; replaces aspartic acid 2128 with valine.
Molecular consequence: missense variant.
Genome position (GRCh38, 1-based): chr12:132,626,265, T>A on the plus strand (A>T on the coding strand, the complement: POLE is on the minus strand). VCF-style: chr12-132626265-T-A. GRCh37 (hg19) VCF-style: chr12-133202851-T-A.
Other names: short protein forms D2128V.
Identifiers: ClinVar variation 3781609 (VCV003781609.1).